The following is an entry in ClinVar:

ClinVar aggregate classification (germline): Uncertain significance. Review status: criteria provided, multiple submitters, no conflicts (2 of 4 stars). 2 submissions from 2 submitters: Uncertain significance (2). Last evaluated 2026-03-22.

Conditions:
Hereditary cancer-predisposing syndrome. Also called: Tumor predisposition; Hereditary Cancer Syndrome; Neoplastic Syndromes, Hereditary; Hereditary neoplastic syndrome. Identifiers: Orphanet 140162, MedGen C0027672, MeSH D009386, MONDO:0015356.

Submissions (2):

Ambry Genetics
Classification: Uncertain significance for Hereditary cancer-predisposing syndrome. Last evaluated: 2026-03-22. Review status: criteria provided, single submitter. Criteria: Ambry Variant Classification Scheme 2023. Collection method: clinical testing. Allele origin: germline.
Comment: The p.G1674A variant (also known as c.5021G>C), located in coding exon 15 of the APC gene, results from a G to C substitution at nucleotide position 5021. The glycine at codon 1674 is replaced by alanine, an amino acid with similar properties. This amino acid position is not well conserved in available vertebrate species. In addition, in silico predictors for this gene do not accurately predict pathogenicity. Missense variants in APC are not a common cause of disease (Spier I et al. Genet Med. 2024 Feb;26(2):100992). Based on the available evidence, the clinical significance of this variant remains unclear.

Color Diagnostics, LLC DBA Color Health
Classification: Uncertain significance for Hereditary cancer-predisposing syndrome. Last evaluated: 2023-12-04. Review status: criteria provided, single submitter. Criteria: ACMG Guidelines, 2015. Collection method: clinical testing. Allele origin: germline.
Comment: This missense variant replaces glycine with alanine at codon 1674 of the APC protein. Computational prediction suggests that this variant may not impact protein structure and function (internally defined REVEL score threshold <= 0.5, PMID: 27666373). To our knowledge, functional studies have not been reported for this variant. This variant has not been reported in individuals affected with APC-related disorders in the literature. This variant has not been identified in the general population by the Genome Aggregation Database (gnomAD). The available evidence is insufficient to determine the role of this variant in disease conclusively. Therefore, this variant is classified as a Variant of Uncertain Significance.

NM_000038.6(APC):c.5021G>C (p.Gly1674Ala)

Gene: APC (APC regulator of Wnt signaling pathway; plus strand). Cytogenetic location: 5q22.2.
Variant type: single nucleotide variant.
Coding change: c.5021G>C on transcript NM_000038.6 (MANE Select); coding-DNA position 5021, G replaced by C.
Protein change: p.Gly1674Ala; replaces glycine 1674 with alanine.
Molecular consequence: missense variant.
Genome position (GRCh38, 1-based): chr5:112,840,615, G>C. VCF-style: chr5-112840615-G-C. GRCh37 (hg19) VCF-style: chr5-112176312-G-C.
Other names: c.5021G>C, p.Gly1674Ala (NM_001127510.3, NM_001354895.2); c.4967G>C, p.Gly1656Ala (NM_001127511.3); c.5075G>C, p.Gly1692Ala (NM_001354896.2); c.5051G>C, p.Gly1684Ala (NM_001354897.2); c.4946G>C, p.Gly1649Ala (NM_001354898.2); c.4937G>C, p.Gly1646Ala (NM_001354899.2); c.4898G>C, p.Gly1633Ala (NM_001354900.2); c.4844G>C, p.Gly1615Ala (NM_001354901.2); and 5 more; short protein forms G1656A, G1674A, G1391A, G1514A, G1573A, G1583A, G1633A, G1649A.
Identifiers: ClinVar variation 630006 (VCV000630006.6), dbSNP rs1561597087, ClinGen allele CA16032318.
Genomic context (GRCh38, chr5:112,840,615, plus strand): 5'-CTACATCTCTAAGTGATCTAACAATCGAATCCCCTCCAAATGAGTTAGCTGCTGGAGAAG[G>C]AGTTAGAGGAGGGGCACAGTCAGGTGAATTTGAAAAACGAGATACCATTCCTACAGAAGG-3'
Protein context (NP_000029.2, residues 1664-1684): SPPNELAAGE[Gly1674Ala]VRGGAQSGEF